The following is an entry in ClinVar:

ClinVar aggregate classification (germline): Likely pathogenic (1 of 4 stars; one submission).

Submission:

Labcorp Genetics (formerly Invitae), Labcorp
Classification: Likely pathogenic. Last evaluated: 2022-08-01. Review status: criteria provided, single submitter. Criteria: Invitae Variant Classification Sherloc (09022015). Collection method: clinical testing. Allele origin: germline.
Comment: This variant is not present in population databases (gnomAD no frequency). This sequence change affects an acceptor splice site in intron 14 of the SNX14 gene. It is expected to disrupt RNA splicing. Variants that disrupt the donor or acceptor splice site typically lead to a loss of protein function (PMID: 16199547), and loss-of-function variants in SNX14 are known to be pathogenic (PMID: 25439728, 25848753). This variant has not been reported in the literature in individuals affected with SNX14-related conditions. In summary, the currently available evidence indicates that the variant is pathogenic, but additional data are needed to prove that conclusively. Therefore, this variant has been classified as Likely Pathogenic. Algorithms developed to predict the effect of sequence changes on RNA splicing suggest that this variant may disrupt the consensus splice site.

Literature cited by the submitters: PubMed 16199547; PubMed 25439728; PubMed 25848753.

NM_153816.6(SNX14):c.1390-2A>G

Gene: SNX14 (sorting nexin 14; minus strand). Cytogenetic location: 6q14.3.
Variant type: single nucleotide variant.
Coding change: c.1390-2A>G on transcript NM_153816.6 (MANE Select); the canonical splice acceptor site of the intron before coding-DNA position 1390, A replaced by G.
Molecular consequence: splice acceptor variant.
Genome position (GRCh38, 1-based): chr6:85,542,045, T>C on the plus strand (A>G on the coding strand, the complement: SNX14 is on the minus strand). VCF-style: chr6-85542045-T-C. GRCh37 (hg19) VCF-style: chr6-86251763-T-C.
Other names: c.1099-2A>G (NM_001350543.2); c.1231-2A>G (NM_001350539.2); c.1102-2A>G (NM_001350542.2); c.946-2A>G (NM_001350546.2, NM_001350545.2); c.340-2A>G (NM_001350547.2); c.1090-2A>G (NM_001350544.2); c.235-2A>G (NM_001350553.2, NM_001350549.2, NM_001350548.2 and 3 more transcripts); c.1234-2A>G (NM_001304479.2); and 6 more.
Identifiers: ClinVar variation 2018455 (VCV002018455.4), dbSNP rs2535785321, ClinGen allele CA364905084.